The following is an entry in ClinVar:

ClinVar aggregate classification (germline): Uncertain significance. Review status: criteria provided, multiple submitters, no conflicts (2 of 4 stars). 5 submissions from 5 submitters: Uncertain significance (5). Last evaluated 2025-09-08.

Conditions:
APC-related disorder. Also called: APC-related condition.
Familial adenomatous polyposis 1 (FAP1). Also called: FAMILIAL ADENOMATOUS POLYPOSIS 1, ATTENUATED; POLYPOSIS, ADENOMATOUS INTESTINAL. Identifiers: MedGen C2713442, MONDO:0021056, OMIM 175100. Disease mechanism: loss of function.
Classic or attenuated familial adenomatous polyposis. Identifiers: MedGen CN372698, MONDO:0021057.
Hereditary cancer-predisposing syndrome. Also called: Tumor predisposition; Hereditary neoplastic syndrome; Neoplastic Syndromes, Hereditary; Hereditary Cancer Syndrome. Identifiers: Orphanet 140162, MedGen C0027672, MeSH D009386, MONDO:0015356.

Submissions (5):

PreventionGenetics, part of Exact Sciences
Classification: Uncertain significance for APC-related condition. Last evaluated: 2025-09-08. Review status: criteria provided, single submitter. Criteria: ACMG Guidelines, 2015. Collection method: clinical testing. Allele origin: germline.
Comment: The APC c.5950A>G variant is predicted to result in the amino acid substitution p.Asn1984Asp. To our knowledge, this variant has not been reported in the literature or in a large population database (gnomAD), indicating this variant is rare. This variant is interpreted as uncertain in ClinVar (Variation ID: 537435). At this time, the clinical significance of this variant is uncertain due to the absence of conclusive functional and genetic evidence.

Labcorp Genetics (formerly Invitae), Labcorp
Classification: Uncertain significance for Familial adenomatous polyposis 1. Last evaluated: 2025-08-13. Review status: criteria provided, single submitter. Criteria: Invitae Variant Classification Sherloc (09022015). Collection method: clinical testing. Allele origin: germline.
Comment: This sequence change replaces asparagine, which is neutral and polar, with aspartic acid, which is acidic and polar, at codon 1984 of the APC protein (p.Asn1984Asp). This variant is not present in population databases (gnomAD no frequency). This variant has not been reported in the literature in individuals affected with APC-related conditions. ClinVar contains an entry for this variant (Variation ID: 537435). Invitae Evidence Modeling of protein sequence and biophysical properties (such as structural, functional, and spatial information, amino acid conservation, physicochemical variation, residue mobility, and thermodynamic stability) indicates that this missense variant is not expected to disrupt APC protein function with a negative predictive value of 95%. In summary, the available evidence is currently insufficient to determine the role of this variant in disease. Therefore, it has been classified as a Variant of Uncertain Significance.

All of Us Research Program, National Institutes of Health
Classification: Uncertain significance for Classic or attenuated familial adenomatous polyposis. Last evaluated: 2024-07-20. Review status: criteria provided, single submitter. Criteria: ACMG Guidelines, 2015. Collection method: clinical testing. Allele origin: germline. Inheritance: Autosomal dominant inheritance. Observed: 2 variant alleles, 2 heterozygotes.
Comment: This missense variant replaces asparagine with aspartic acid at codon 1984 of the APC protein. Computational prediction suggests that this variant may not impact protein structure and function (internally defined REVEL score threshold <= 0.5, PMID: 27666373). To our knowledge, functional studies have not been reported for this variant. This variant has not been reported in individuals affected with APC-related disorders in the literature. This variant has not been identified in the general population by the Genome Aggregation Database (gnomAD). The available evidence is insufficient to determine the role of this variant in disease conclusively. Therefore, this variant is classified as a Variant of Uncertain Significance.

This study involves interpretation of variants in research participants for the purpose of population health screening. Participant phenotype was not available at the time of variant classification. Additional details can be found in publication PMID: 35346344, PMCID: PMC8962531

Color Diagnostics, LLC DBA Color Health
Classification: Uncertain significance for Hereditary cancer-predisposing syndrome. Last evaluated: 2024-07-10. Review status: criteria provided, single submitter. Criteria: ACMG Guidelines, 2015. Collection method: clinical testing. Allele origin: germline.
Comment: This missense variant replaces asparagine with aspartic acid at codon 1984 of the APC protein. Computational prediction suggests that this variant may not impact protein structure and function. To our knowledge, functional studies have not been reported for this variant. This variant has not been reported in individuals affected with APC-related disorders in the literature. This variant has not been identified in the general population by the Genome Aggregation Database (gnomAD). The available evidence is insufficient to determine the role of this variant in disease conclusively. Therefore, this variant is classified as a Variant of Uncertain Significance.

Ambry Genetics
Classification: Uncertain significance for Hereditary cancer-predisposing syndrome. Last evaluated: 2023-07-14. Review status: criteria provided, single submitter. Criteria: Ambry Variant Classification Scheme 2023. Collection method: clinical testing. Allele origin: germline.
Comment: The p.N1984D variant (also known as c.5950A>G), located in coding exon 15 of the APC gene, results from an A to G substitution at nucleotide position 5950. The asparagine at codon 1984 is replaced by aspartic acid, an amino acid with highly similar properties. This amino acid position is poorly conserved in available vertebrate species. In addition, in silico predictors for this gene do not accurately predict pathogenicity. Since supporting evidence is limited at this time, the clinical significance of this alteration remains unclear.

NM_000038.6(APC):c.5950A>G (p.Asn1984Asp)

Gene: APC (APC regulator of Wnt signaling pathway; plus strand). Cytogenetic location: 5q22.2.
Variant type: single nucleotide variant.
Coding change: c.5950A>G on transcript NM_000038.6 (MANE Select); coding-DNA position 5950, A replaced by G.
Protein change: p.Asn1984Asp; replaces asparagine 1984 with aspartic acid.
Molecular consequence: missense variant.
Genome position (GRCh38, 1-based): chr5:112,841,544, A>G. VCF-style: chr5-112841544-A-G. GRCh37 (hg19) VCF-style: chr5-112177241-A-G.
Other names: c.5950A>G, p.Asn1984Asp (NM_001127510.3, NM_001354895.2); c.5896A>G, p.Asn1966Asp (NM_001127511.3); c.6004A>G, p.Asn2002Asp (NM_001354896.2); c.5980A>G, p.Asn1994Asp (NM_001354897.2); c.5875A>G, p.Asn1959Asp (NM_001354898.2); c.5866A>G, p.Asn1956Asp (NM_001354899.2); c.5827A>G, p.Asn1943Asp (NM_001354900.2); c.5773A>G, p.Asn1925Asp (NM_001354901.2); and 5 more; short protein forms N1984D, N1966D, N1701D, N1883D, N1956D, N1994D, N2002D, N1824D.
Identifiers: ClinVar variation 537435 (VCV000537435.18), dbSNP rs1554087095, ClinGen allele CA16034356.